The following is an entry in ClinVar:

NM_024301.5(FKRP):c.347G>A (p.Arg116His)

Gene: FKRP (fukutin related protein; plus strand). Cytogenetic location: 19q13.32.
Variant type: single nucleotide variant.
Coding change: c.347G>A on transcript NM_024301.5 (MANE Select); coding-DNA position 347, G replaced by A.
Protein change: p.Arg116His; replaces arginine 116 with histidine.
Molecular consequence: missense variant.
Genome position (GRCh38, 1-based): chr19:46,755,797, G>A. VCF-style: chr19-46755797-G-A. GRCh37 (hg19) VCF-style: chr19-47259054-G-A.
Other names: c.347G>A, p.Arg116His (NM_001039885.3); short protein forms R116H.
Identifiers: ClinVar variation 2194417 (VCV002194417.4), dbSNP rs1235772349, ClinGen allele CA406495146.
Genomic context (GRCh38, chr19:46,755,797, plus strand): 5'-TCCCCAACGTGCGTCTGGCGCTGCTCCAGCCCGCCCTGGACCGGCCAGCCGCAGCCTCGC[G>A]CCCGGAGACCTACGTGGCCACCGAGTTTGTGGCCCTAGTACCTGATGGGGCGCGGGCTGA-3'
Protein context (NP_077277.1, residues 106-126): PALDRPAAAS[Arg116His]PETYVATEFV

ClinVar aggregate classification (germline): Uncertain significance (1 of 4 stars; one submission).

Conditions:
Walker-Warburg congenital muscular dystrophy. Also called: Muscular dystrophy-dystroglycanopathy, type A; Walker-Warburg syndrome. Identifiers: Orphanet 899, MedGen C0265221, MONDO:0000171.

Allele frequency attached by ClinVar (database versions not stated): gnomAD exomes below 0.00001.

Submission:

Labcorp Genetics (formerly Invitae), Labcorp
Classification: Uncertain significance for Walker-Warburg congenital muscular dystrophy. Last evaluated: 2022-02-20. Review status: criteria provided, single submitter. Criteria: Invitae Variant Classification Sherloc (09022015). Collection method: clinical testing. Allele origin: germline.
Comment: This sequence change replaces arginine, which is basic and polar, with histidine, which is basic and polar, at codon 116 of the FKRP protein (p.Arg116His). This variant is not present in population databases (gnomAD no frequency). This variant has not been reported in the literature in individuals affected with FKRP-related conditions. Algorithms developed to predict the effect of missense changes on protein structure and function are either unavailable or do not agree on the potential impact of this missense change (SIFT: "Deleterious"; PolyPhen-2: "Possibly Damaging"; Align-GVGD: "Class C0"). In summary, the available evidence is currently insufficient to determine the role of this variant in disease. Therefore, it has been classified as a Variant of Uncertain Significance.